The following is an entry in ClinVar:

NM_003476.5(CSRP3):c.187G>T (p.Gly63Trp)

Gene: CSRP3 (cysteine and glycine rich protein 3; minus strand). Cytogenetic location: 11p15.1.
Variant type: single nucleotide variant.
Coding change: c.187G>T on transcript NM_003476.5 (MANE Select); coding-DNA position 187, G replaced by T.
Protein change: p.Gly63Trp; replaces glycine 63 with tryptophan.
Molecular consequence: missense variant. On other transcripts: intron variant (1).
Genome position (GRCh38, 1-based): chr11:19,188,230, C>A on the plus strand (G>T on the coding strand, the complement: CSRP3 is on the minus strand). VCF-style: chr11-19188230-C-A. GRCh37 (hg19) VCF-style: chr11-19209777-C-A.
Other names: c.113-1882G>T (NM_001369404.1); c.187G>T, p.Gly63Trp (NM_001127656.1); short protein forms G63W.
Identifiers: ClinVar variation 2945809 (VCV002945809.3), dbSNP rs2494223488, ClinGen allele CA379888298.
Genomic context (GRCh38, chr11:19,188,230, plus strand): 5'-CTGTGCTGAGACAGCCAGCGCCTTGTCCATACCCGATCCCTTTGGGGCCATATCTGCGCC[C>A]ATAGCACACCTTGCAGTAGATCTCCGACTCATGAGCCGCGACTGTCGTGCTGTCAAGAGC-3'
Protein context (NP_003467.1, residues 53-73): ESEIYCKVCY[Gly63Trp]RRYGPKGIGY

ClinVar aggregate classification (germline): Uncertain significance (1 of 4 stars; one submission).

Conditions:
Hypertrophic cardiomyopathy 12. Identifiers: MedGen C2677491, MONDO:0012804, OMIM 612124.
Dilated cardiomyopathy 1M (CMD1M). Identifiers: Orphanet 154, MedGen C1843808, MONDO:0011840, OMIM 607482.

Allele frequency attached by ClinVar (database versions not stated): gnomAD exomes below 0.00001.
gnomAD v4.1: 1 of 1,613,614 alleles (0.000062%); highest among the groups gnomAD compares: Non-Finnish European, 0.000085%; no homozygotes.

Submission:

Labcorp Genetics (formerly Invitae), Labcorp
Classification: Uncertain significance for Hypertrophic cardiomyopathy 12; Dilated cardiomyopathy 1M. Last evaluated: 2023-03-26. Review status: criteria provided, single submitter. Criteria: Invitae Variant Classification Sherloc (09022015). Collection method: clinical testing. Allele origin: germline.
Comment: This variant is not present in population databases (gnomAD no frequency). This variant has not been reported in the literature in individuals affected with CSRP3-related conditions. An algorithm developed to predict the effect of missense changes on protein structure and function (PolyPhen-2) suggests that this variant is likely to be disruptive. In summary, the available evidence is currently insufficient to determine the role of this variant in disease. Therefore, it has been classified as a Variant of Uncertain Significance. This sequence change replaces glycine, which is neutral and non-polar, with tryptophan, which is neutral and slightly polar, at codon 63 of the CSRP3 protein (p.Gly63Trp).